The following is an entry in ClinVar:

NM_025215.6(PUS1):c.482G>A (p.Trp161Ter)

Gene: PUS1 (pseudouridine synthase 1; plus strand). Cytogenetic location: 12q24.33.
Variant type: single nucleotide variant.
Coding change: c.482G>A on transcript NM_025215.6 (MANE Select); coding-DNA position 482, G replaced by A.
Protein change: p.Trp161Ter; replaces tryptophan 161 with a stop codon.
Molecular consequence: nonsense.
Genome position (GRCh38, 1-based): chr12:131,939,213, G>A. VCF-style: chr12-131939213-G-A. GRCh37 (hg19) VCF-style: chr12-132423758-G-A.
Other names: c.398G>A, p.Trp133Ter (NM_001002019.3, NM_001002020.3); short protein forms W133*, W161*.
Identifiers: ClinVar variation 1452457 (VCV001452457.7), dbSNP rs754855677, ClinGen allele CA387298514.

ClinVar aggregate classification (germline): Pathogenic/Likely pathogenic. Review status: criteria provided, multiple submitters, no conflicts (2 of 4 stars). 2 submissions from 2 submitters: Pathogenic (1); Likely pathogenic (1). Last evaluated 2023-11-28.

Conditions:
Myopathy, lactic acidosis, and sideroblastic anemia 1 (MLASA1). Identifiers: Orphanet 2598, MedGen C4551958, MONDO:0024553, OMIM 600462.

gnomAD v4.1: 1 of 1,562,298 alleles (0.000064%); highest among the groups gnomAD compares: Non-Finnish European, 0.000087%; no homozygotes.

Submissions (2):

Baylor Genetics
Classification: Likely pathogenic for Myopathy, lactic acidosis, and sideroblastic anemia 1. Last evaluated: 2023-11-28. Review status: criteria provided, single submitter. Criteria: ACMG Guidelines, 2015. Collection method: clinical testing. Allele origin: unknown.

Labcorp Genetics (formerly Invitae), Labcorp
Classification: Pathogenic. Last evaluated: 2021-05-16. Review status: criteria provided, single submitter. Criteria: Invitae Variant Classification Sherloc (09022015). Collection method: clinical testing. Allele origin: germline.
Comment: This variant is not present in population databases (ExAC no frequency). This sequence change creates a premature translational stop signal (p.Trp161*) in the PUS1 gene. It is expected to result in an absent or disrupted protein product. Loss-of-function variants in PUS1 are known to be pathogenic (PMID: 17056637, 19731322, 25058219, 26556812). This variant has not been reported in the literature in individuals with PUS1-related conditions. For these reasons, this variant has been classified as Pathogenic.

Literature cited by the submitters: PubMed 17056637 (cited by Labcorp Genetics (formerly Invitae), Labcorp); PubMed 19731322 (cited by Labcorp Genetics (formerly Invitae), Labcorp); PubMed 25058219 (cited by Labcorp Genetics (formerly Invitae), Labcorp); PubMed 26556812 (cited by Labcorp Genetics (formerly Invitae), Labcorp).